The following is an entry in ClinVar:

ClinVar aggregate classification (germline): Uncertain significance (1 of 4 stars; one submission).

Conditions:
Epidermolysis bullosa simplex with nail dystrophy (EBS5D). Identifiers: MedGen C4225309, MONDO:0014661, OMIM 616487.
Epidermolysis bullosa simplex 5B, with muscular dystrophy (EBS5B). Also called: Epidermolysis bullosa simplex with muscular dystrophy; EPIDERMOLYSIS BULLOSA SIMPLEX AND LIMB-GIRDLE MUSCULAR DYSTROPHY. Identifiers: Orphanet 257, MedGen C2931072, MONDO:0009181, OMIM 226670.
Epidermolysis bullosa simplex, Ogna type (EBS5A). Also called: EPIDERMOLYSIS BULLOSA SIMPLEX 5A, OGNA TYPE; Pidermolysis bullosa simplex 5A, Ogna type. Identifiers: Orphanet 79401, MedGen C0432317, MONDO:0007555, OMIM 131950.
Epidermolysis bullosa simplex 5C, with pyloric atresia (EBS5C). Also called: PLEC-Related Epidermolysis Bullosa with Pyloric Atresia; Epidermolysis bullosa simplex with pyloric atresia; PLEC1-Related Epidermolysis Bullosa with Pyloric Atresia. Identifiers: Orphanet 158684, MedGen C2677349, MONDO:0012807, OMIM 612138.
Autosomal recessive limb-girdle muscular dystrophy type 2Q (LGMDR17). Also called: MUSCULAR DYSTROPHY, LIMB-GIRDLE, AUTOSOMAL RECESSIVE 17. Identifiers: Orphanet 254361, MedGen C3150989, MONDO:0013390, OMIM 613723.

Allele frequency attached by ClinVar (database versions not stated): gnomAD exomes below 0.00001; TOPMed 0.00001; ExAC 0.00002; gnomAD 0.00002.
gnomAD v4.1: 4 of 1,612,632 alleles (0.00025%); highest among the groups gnomAD compares: African/African-American, 0.004%; no homozygotes.

Submission:

Labcorp Genetics (formerly Invitae), Labcorp
Classification: Uncertain significance for Autosomal recessive limb-girdle muscular dystrophy type 2Q; Epidermolysis bullosa simplex, Ogna type; Epidermolysis bullosa simplex with nail dystrophy; Epidermolysis bullosa simplex 5C, with pyloric atresia; Epidermolysis bullosa simplex 5B, with muscular dystrophy. Last evaluated: 2022-03-08. Review status: criteria provided, single submitter. Criteria: Invitae Variant Classification Sherloc (09022015). Collection method: clinical testing. Allele origin: germline.
Comment: The frequency data for this variant in the population databases is considered unreliable, as metrics indicate poor data quality at this position in the gnomAD database. In summary, the available evidence is currently insufficient to determine the role of this variant in disease. Therefore, it has been classified as a Variant of Uncertain Significance. Algorithms developed to predict the effect of sequence changes on RNA splicing suggest that this variant may create or strengthen a splice site. Algorithms developed to predict the effect of missense changes on protein structure and function are either unavailable or do not agree on the potential impact of this missense change (SIFT: "Tolerated"; PolyPhen-2: "Not Available"; Align-GVGD: "Class C0"). This variant has not been reported in the literature in individuals affected with PLEC-related conditions. This sequence change replaces lysine, which is basic and polar, with arginine, which is basic and polar, at codon 1017 of the PLEC protein (p.Lys1017Arg).

NM_201384.3(PLEC):c.2969A>G (p.Lys990Arg)

Gene: PLEC (plectin; minus strand). Cytogenetic location: 8q24.3.
Variant type: single nucleotide variant.
Coding change: c.2969A>G on transcript NM_201384.3 (MANE Select); coding-DNA position 2969, A replaced by G.
Protein change: p.Lys990Arg; replaces lysine 990 with arginine.
Molecular consequence: missense variant.
Genome position (GRCh38, 1-based): chr8:143,929,526, T>C on the plus strand (A>G on the coding strand, the complement: PLEC is on the minus strand). VCF-style: chr8-143929526-T-C. GRCh37 (hg19) VCF-style: chr8-145003694-T-C.
Other names: c.3050A>G, p.Lys1017Arg (NM_000445.5, NM_001410941.1); c.2927A>G, p.Lys976Arg (NM_201378.4); c.2903A>G, p.Lys968Arg (NM_201379.3); c.3380A>G, p.Lys1127Arg (NM_201380.4); c.2873A>G, p.Lys958Arg (NM_201381.3); c.2969A>G, p.Lys990Arg (NM_201382.4); c.2981A>G, p.Lys994Arg (NM_201383.3); short protein forms K958R, K976R, K1127R, K990R, K1017R, K968R, K994R.
Identifiers: ClinVar variation 1934079 (VCV001934079.5), dbSNP rs782691520, ClinGen allele CA4927272.
Genomic context (GRCh38, chr8:143,929,526, plus strand): 5'-GGCAGCCGCAGGCGGTGCACGGTGCGCGTCTCACAGGCCTCCAGCTGCAGCCGGATGTCT[T>C]TGAGCTCGGAGATGCAGCGCTGGCAGCGAGACTCTTCCTGTGCACCTGGGGAACACATGT-3'
Protein context (NP_958786.1, residues 980-1000): SRCQRCISEL[Lys990Arg]DIRLQLEACE